The following is an entry in ClinVar:

ClinVar aggregate classification (germline): Conflicting classifications of pathogenicity. Review status: criteria provided, conflicting classifications (1 of 4 stars). 6 submissions from 6 submitters: Uncertain significance (1); Benign (1); Likely benign (4). Last evaluated 2026-01-08.

Conditions:
APC-Associated Polyposis Disorders.
Classic or attenuated familial adenomatous polyposis. Identifiers: MedGen CN372698, MONDO:0021057.
Hereditary cancer-predisposing syndrome. Also called: Hereditary neoplastic syndrome; Hereditary Cancer Syndrome; Neoplastic Syndromes, Hereditary; Tumor predisposition. Identifiers: Orphanet 140162, MedGen C0027672, MeSH D009386, MONDO:0015356.
Familial adenomatous polyposis 1 (FAP1). Also called: FAMILIAL ADENOMATOUS POLYPOSIS 1, ATTENUATED; POLYPOSIS, ADENOMATOUS INTESTINAL. Identifiers: MedGen C2713442, MONDO:0021056, OMIM 175100. Disease mechanism: loss of function.

Allele frequency attached by ClinVar (database versions not stated): gnomAD exomes below 0.00001 and 0.00001; TOPMed below 0.00001; gnomAD 0.00001.
gnomAD v4.1: 8 of 1,613,854 alleles (0.0005%); highest among the groups gnomAD compares: East Asian, 0.011%; no homozygotes.

Submissions (6):

Labcorp Genetics (formerly Invitae), Labcorp
Classification: Likely benign for Familial adenomatous polyposis 1. Last evaluated: 2026-01-08. Review status: criteria provided, single submitter. Criteria: Invitae Variant Classification Sherloc (09022015). Collection method: clinical testing. Allele origin: germline.

Myriad Genetics, Inc.
Classification: Benign for Familial adenomatous polyposis 1. Last evaluated: 2024-04-05. Review status: criteria provided, single submitter. Criteria: Myriad Autosomal Dominant, Autosomal Recessive and X-Linked Classification Criteria (2023). Collection method: clinical testing. Allele origin: unknown.
Comment: This variant is considered benign. This variant is a silent/synonymous amino acid change and it is not expected to impact splicing.

All of Us Research Program, National Institutes of Health
Classification: Likely benign for Classic or attenuated familial adenomatous polyposis. Last evaluated: 2023-02-24. Review status: criteria provided, single submitter. Criteria: ACMG Guidelines, 2015. Collection method: clinical testing. Allele origin: germline. Inheritance: Autosomal dominant inheritance. Observed: 1 variant allele, 1 heterozygote.
Comment: This study involves interpretation of variants in research participants for the purpose of population health screening. Participant phenotype was not available at the time of variant classification. Additional details can be found in publication PMID: 35346344, PMCID: PMC8962531

Illumina Laboratory Services, Illumina
Classification: Uncertain significance for APC-Associated Polyposis Disorders. Last evaluated: 2018-01-13. Review status: criteria provided, single submitter. Criteria: ICSL Variant Classification Criteria 13 December 2019. Collection method: clinical testing. Allele origin: germline.

Color Diagnostics, LLC DBA Color Health
Classification: Likely benign for Hereditary cancer-predisposing syndrome. Last evaluated: 2016-11-28. Review status: criteria provided, single submitter. Criteria: ACMG Guidelines, 2015. Collection method: clinical testing. Allele origin: germline.

Ambry Genetics
Classification: Likely benign for Hereditary cancer-predisposing syndrome. Last evaluated: 2016-06-01. Review status: criteria provided, single submitter. Criteria: Ambry Variant Classification Scheme 2023. Collection method: clinical testing. Allele origin: germline.

NM_000038.6(APC):c.6741T>C (p.Ser2247=)

Gene: APC (APC regulator of Wnt signaling pathway; plus strand). Cytogenetic location: 5q22.2.
Variant type: single nucleotide variant.
Coding change: c.6741T>C on transcript NM_000038.6 (MANE Select); coding-DNA position 6741, T replaced by C.
Protein change: p.Ser2247=; no amino-acid change (serine 2247 retained).
Molecular consequence: synonymous variant.
Genome position (GRCh38, 1-based): chr5:112,842,335, T>C. VCF-style: chr5-112842335-T-C. GRCh37 (hg19) VCF-style: chr5-112178032-T-C.
Other names: c.6741T>C, p.Ser2247= (NM_001127510.3, NM_001354895.2); c.6687T>C, p.Ser2229= (NM_001127511.3); c.6795T>C, p.Ser2265= (NM_001354896.2); c.6771T>C, p.Ser2257= (NM_001354897.2); c.6666T>C, p.Ser2222= (NM_001354898.2); c.6657T>C, p.Ser2219= (NM_001354899.2); c.6618T>C, p.Ser2206= (NM_001354900.2); c.6564T>C, p.Ser2188= (NM_001354901.2); and 5 more.
Identifiers: ClinVar variation 236633 (VCV000236633.25), dbSNP rs878853464, ClinGen allele CA10582334.
Genomic context (GRCh38, chr5:112,842,335, plus strand): 5'-CAGGACAATGATTCATATTCCAGGAGTTCGAAATAGCTCCTCAAGTACAAGTCCTGTTTC[T>C]AAAAAAGGCCCACCCCTTAAGACTCCAGCCTCCAAAAGCCCTAGTGAAGGTCAAACAGCC-3'
Protein context (NP_000029.2, residues 2237-2257): RNSSSSTSPV[Ser2247=]KKGPPLKTPA